The following is an entry in ClinVar:

ClinVar aggregate classification (germline): Uncertain significance (1 of 4 stars; one submission).

Allele frequency attached by ClinVar (database versions not stated): ExAC 0.00010; ESP Exome Variant Server 0.00019; TOPMed 0.00025; gnomAD 0.00026; gnomAD exomes 0.00044.
gnomAD v4.1: 523 of 1,210,353 alleles (0.043%); highest among the groups gnomAD compares: Non-Finnish European, 0.054%; no homozygotes.

Submission:

Labcorp Genetics (formerly Invitae), Labcorp
Classification: Uncertain significance. Last evaluated: 2025-09-28. Review status: criteria provided, single submitter. Criteria: Invitae Variant Classification Sherloc (09022015). Collection method: clinical testing. Allele origin: germline.
Comment: This sequence change replaces alanine, which is neutral and non-polar, with valine, which is neutral and non-polar, at codon 83 of the TLR7 protein (p.Ala83Val). This variant is present in population databases (rs143823510, gnomAD 0.02%). This variant has not been reported in the literature in individuals affected with TLR7-related conditions. ClinVar contains an entry for this variant (Variation ID: 2063207). An algorithm developed to predict the effect of missense changes on protein structure and function (PolyPhen-2) suggests that this variant is likely to be tolerated. In summary, the available evidence is currently insufficient to determine the role of this variant in disease. Therefore, it has been classified as a Variant of Uncertain Significance.

NM_016562.4(TLR7):c.248C>T (p.Ala83Val)

Gene: TLR7 (toll like receptor 7; plus strand). Cytogenetic location: Xp22.2.
Variant type: single nucleotide variant.
Coding change: c.248C>T on transcript NM_016562.4 (MANE Select); coding-DNA position 248, C replaced by T.
Protein change: p.Ala83Val; replaces alanine 83 with valine.
Molecular consequence: missense variant.
Genome position (GRCh38, 1-based): chrX:12,885,756, C>T. VCF-style: chrX-12885756-C-T. GRCh37 (hg19) VCF-style: chrX-12903875-C-T.
Other names: short protein forms A83V.
Identifiers: ClinVar variation 2063207 (VCV002063207.4), dbSNP rs143823510, ClinGen allele CA10349909.
Genomic context (GRCh38, chrX:12,885,756, plus strand): 5'-TTCCCACGAACACCACGAACCTCACCCTCACCATTAACCACATACCAGACATCTCCCCAG[C>T]GTCCTTTCACAGACTGGACCATCTGGTAGAGATCGATTTCAGATGCAACTGTGTACCTAT-3'
Protein context (NP_057646.1, residues 73-93): TINHIPDISP[Ala83Val]SFHRLDHLVE